The following is an entry in ClinVar:

ClinVar aggregate classification (germline): Likely pathogenic. Review status: criteria provided, single submitter (1 of 4 stars). 2 submissions from 2 submitters: Likely pathogenic (1). 1 of the submissions does not count toward it. Last evaluated 2026-01-21.

Conditions:
Familial juvenile hyperuricemic nephropathy type 1 (ADTKD1). Also called: UMOD-Associated Kidney Disease; Uromodulin-associated kidney disease; Autosomal Dominant Tubulointerstitial Kidney Disease – UMOD; Glomerulocystic kidney disease with hyperuricemia and isosthenuria; Medullary cystic kidney disease 2. Identifiers: Orphanet 209886, Orphanet 34149, Orphanet 88950, MedGen C4551496, MONDO:0008073, OMIM 162000.
UMOD-related disorder. Also called: UMOD-related condition.

Submissions (2):

Department of Molecular Genetics, Istishari Arab Hospital
Classification: Likely pathogenic for Familial juvenile hyperuricemic nephropathy type 1. Last evaluated: 2026-01-21. Review status: criteria provided, single submitter. Criteria: ACMG Guidelines, 2015. Collection method: clinical testing. Allele origin: germline. Inheritance: Autosomal dominant inheritance. Affected: yes.
Comment: The UMOD variant c.553C>A, p.Arg185Ser creates a change in the reading frame from Arg to Ser at position 185. The variant is not observed in the gnomAD v4.1.0 dataset. Different missense changes at the same codon (p.Arg185Cys, p.Arg185Gly, p.Arg185His, p.Arg185Pro) have been reported as pathogenic/likely pathogenic with strong evidence (ClinVar ID: VCV000586922, VCV002736326, VCV003578748, VCV003578749). It is classified as likely pathogenic according to the recommendations of ACMG/AMP/ClinGen SVI guidelines.

PreventionGenetics, part of Exact Sciences
Classification: Pathogenic for UMOD-related condition. Last evaluated: 2023-11-22. Review status: no assertion criteria provided. Collection method: clinical testing. Allele origin: germline. Not counted in ClinVar's aggregate classification.
Comment: The UMOD c.553C>A variant is predicted to result in the amino acid substitution p.Arg185Ser. The p.Arg185 residue is highly conserved during evolution. Missense variants at this codon, including p.Arg185Ser found in this patient, have been repeatedly reported in individuals with UMOD-related disorders (Dahan et al. 2003. PubMed ID: 14569098; Bollée et al. 2011. PubMed ID: 21868615; Olinger et al. 2020. PubMed ID: 32450155; Human Gene Mutation Database).  This variant has not been reported in a large population database, indicating this variant is rare. This variant is interpreted as pathogenic.

Literature cited by the submitters: PubMed 14569098 (cited by Department of Molecular Genetics, Istishari Arab Hospital); PubMed 21868615 (cited by Department of Molecular Genetics, Istishari Arab Hospital); PubMed 32450155 (cited by Department of Molecular Genetics, Istishari Arab Hospital).

NM_003361.4(UMOD):c.553C>A (p.Arg185Ser)

Gene: UMOD (uromodulin; minus strand). Cytogenetic location: 16p12.3.
Variant type: single nucleotide variant.
Coding change: c.553C>A on transcript NM_003361.4 (MANE Select); coding-DNA position 553, C replaced by A.
Protein change: p.Arg185Ser; replaces arginine 185 with serine.
Molecular consequence: missense variant. On other transcripts: non-coding transcript variant (1).
Genome position (GRCh38, 1-based): chr16:20,348,748, G>T on the plus strand (C>A on the coding strand, the complement: UMOD is on the minus strand). VCF-style: chr16-20348748-G-T. GRCh37 (hg19) VCF-style: chr16-20360070-G-T.
Other names: p.Arg185Ser; c.553C>A, p.Arg185Ser (NM_001008389.3, NM_001378232.1, NM_001378233.1 and 3 more transcripts); c.652C>A, p.Arg218Ser (NM_001278614.2); short protein forms R185S, R218S.
Identifiers: ClinVar variation 3029895 (VCV003029895.3), dbSNP rs1567310155, ClinGen allele CA394985495.
Genomic context (GRCh38, chr16:20,348,748, plus strand): 5'-AGCGGTACCAGCCGCGCAGGTCCGTGTCGCAGGCGTAGCCCTCCCCGTACTCGGTGCTGC[G>T]CCAGTACTCGTCCAGGGTGCGGTGCGCCTGGCACGGATCCGCGCACACGAGCGCGTCGCC-3'
Protein context (NP_003352.2, residues 175-195): QAHRTLDEYW[Arg185Ser]STEYGEGYAC